The following is an entry in ClinVar:

ClinVar aggregate classification (germline): Uncertain significance (1 of 4 stars; one submission).

Conditions:
Emery-Dreifuss muscular dystrophy 5, autosomal dominant (EDMD5). Also called: EMERY-DREIFUSS MUSCULAR DYSTROPHY 5. Identifiers: Orphanet 261, MedGen C2751805, MONDO:0013072, OMIM 612999.

Submission:

Labcorp Genetics (formerly Invitae), Labcorp
Classification: Uncertain significance for Emery-Dreifuss muscular dystrophy 5, autosomal dominant. Last evaluated: 2023-11-21. Review status: criteria provided, single submitter. Criteria: Invitae Variant Classification Sherloc (09022015). Collection method: clinical testing. Allele origin: germline.
Comment: This variant, c.11930_11932dup, results in the insertion of 1 amino acid(s) of the SYNE2 protein (p.Ile3977dup), but otherwise preserves the integrity of the reading frame. This variant is not present in population databases (gnomAD no frequency). This variant has not been reported in the literature in individuals affected with SYNE2-related conditions. In summary, the available evidence is currently insufficient to determine the role of this variant in disease. Therefore, it has been classified as a Variant of Uncertain Significance.

NM_182914.3(SYNE2):c.11930_11932dup (p.Ile3977_Lys3978insIle)

Gene: SYNE2 (spectrin repeat containing nuclear envelope protein 2; plus strand). Cytogenetic location: 14q23.2.
Variant type: Duplication.
Coding change: c.11930_11932dup on transcript NM_182914.3 (MANE Select); coding-DNA positions 11930 to 11932, 3 bases duplicated (TAA; older notation c.11930_11932dupTAA).
Protein change: p.Ile3977_Lys3978insIle.
Molecular consequence: inframe insertion.
Genome position (GRCh38, 1-based): chr14:64,091,002-64,091,004, TAA duplicated; duplicating any 3 consecutive bases within chr14:64,091,001-64,091,004 gives the same sequence; the c. name uses the placement nearest the transcript's 3' end. VCF-style (leftmost placement, unchanged base first): chr14-64091000-T-TATA. GRCh37 (hg19) VCF-style: chr14-64557718-T-TATA.
Other names: c.11930_11932dup, p.Ile3977_Lys3978insIle (NM_015180.6).
Identifiers: ClinVar variation 2716258 (VCV002716258.3), dbSNP rs2097607580, ClinGen allele CA486704297.
Genomic context (GRCh38, chr14:64,091,000, plus strand): 5'-GCCCCAAACAGGAATGAAACCTCTGCCTGTGTTTCAGCGGACAAATCAGCTTTTACAAGA[T>TATA]ATAAAACTATTGGAAAATGTGACTCAAGAACAAAATGAGTTATTAAAGGTAAGCAGTTTC-3'